The following is an entry in ClinVar:

NM_002291.3(LAMB1):c.2920C>G (p.Gln974Glu)

Gene: LAMB1 (laminin subunit beta 1; minus strand). Cytogenetic location: 7q31.1.
Variant type: single nucleotide variant.
Coding change: c.2920C>G on transcript NM_002291.3 (MANE Select); coding-DNA position 2920, C replaced by G.
Protein change: p.Gln974Glu; replaces glutamine 974 with glutamic acid.
Molecular consequence: missense variant.
Genome position (GRCh38, 1-based): chr7:107,953,689, G>C on the plus strand (C>G on the coding strand, the complement: LAMB1 is on the minus strand). VCF-style: chr7-107953689-G-C. GRCh37 (hg19) VCF-style: chr7-107594134-G-C.
Other names: short protein forms Q974E.
Identifiers: ClinVar variation 380844 (VCV000380844.11), dbSNP rs61753441, ClinGen allele CA4435479.

ClinVar aggregate classification (germline): Benign. Review status: criteria provided, multiple submitters, no conflicts (2 of 4 stars). 3 submissions from 3 submitters: Benign (3). Last evaluated 2026-01-17.

Allele frequency attached by ClinVar (database versions not stated): gnomAD exomes 0.00052 and 0.00120; ExAC 0.00153; gnomAD 0.00491 and 0.00529; 1000 Genomes Project 0.00519; TOPMed 0.00557; ESP Exome Variant Server 0.00592; 1000 Genomes Project 30x 0.00640.
gnomAD v4.1: 1,544 of 1,614,174 alleles (0.096%); highest among the groups gnomAD compares: African/African-American, 1.8%; 15 homozygotes.

Submissions (3):

Labcorp Genetics (formerly Invitae), Labcorp
Classification: Benign. Last evaluated: 2026-01-17. Review status: criteria provided, single submitter. Criteria: Invitae Variant Classification Sherloc (09022015). Collection method: clinical testing. Allele origin: germline.

GeneDx
Classification: Benign. Last evaluated: 2016-08-26. Review status: criteria provided, single submitter. Criteria: GeneDx Variant Classification (06012015). Collection method: clinical testing. Allele origin: germline. Affected: yes.
Comment: This variant is considered likely benign or benign based on one or more of the following criteria: it is a conservative change, it occurs at a poorly conserved position in the protein, it is predicted to be benign by multiple in silico algorithms, and/or has population frequency not consistent with disease.

Breakthrough Genomics
Classification: Benign. Review status: criteria provided, single submitter. Criteria: ACMG Guidelines, 2015. Collection method: not provided. Allele origin: germline. Inheritance: Autosomal recessive inheritance. Affected: yes.